The following is an entry in ClinVar:

ClinVar aggregate classification (germline): Conflicting classifications of pathogenicity. Review status: criteria provided, conflicting classifications (1 of 4 stars). 3 submissions from 3 submitters: Uncertain significance (2); Likely benign (1). Last evaluated 2026-01-19.

Conditions:
Inborn genetic diseases. Identifiers: MedGen C0950123, MeSH D030342.
Ornithine carbamoyltransferase deficiency (OTCD). Also called: OTC DEFICIENCY; ORNITHINE TRANSCARBAMYLASE DEFICIENCY; Ornithine Carbamoyltransferase Deficiency Disease; ORNITHINE TRANSCARBAMYLASE DEFICIENCY, HYPERAMMONEMIA DUE TO. Identifiers: Orphanet 664, MedGen C0268542, MONDO:0010703, OMIM 311250.

Allele frequency attached by ClinVar (database versions not stated): gnomAD exomes below 0.00001 and 0.00001; TOPMed below 0.00001.
gnomAD v4.1: 1 of 1,210,541 alleles (0.000083%); highest among the groups gnomAD compares: East Asian, 0.003%; no homozygotes.

Submissions (3):

Labcorp Genetics (formerly Invitae), Labcorp
Classification: Likely benign for Ornithine carbamoyltransferase deficiency. Last evaluated: 2026-01-19. Review status: criteria provided, single submitter. Criteria: Invitae Variant Classification Sherloc (09022015). Collection method: clinical testing. Allele origin: germline.

Ambry Genetics
Classification: Uncertain significance for Inborn genetic diseases. Last evaluated: 2025-10-18. Review status: criteria provided, single submitter. Criteria: Ambry Variant Classification Scheme 2023. Collection method: clinical testing. Allele origin: germline.

All of Us Research Program, National Institutes of Health
Classification: Uncertain significance for Ornithine carbamoyltransferase deficiency. Last evaluated: 2023-09-17. Review status: criteria provided, single submitter. Criteria: ACMG Guidelines, 2015. Collection method: clinical testing. Allele origin: germline. Inheritance: X-linked inheritance. Observed: 1 variant allele, 1 heterozygote.
Comment: This missense variant replaces leucine with valine at codon 246 of the OTC protein. Computational prediction is inconclusive regarding the impact of this variant on protein structure and function (internally defined REVEL score threshold 0.5 < inconclusive < 0.7, PMID: 27666373). To our knowledge, functional studies have not been reported for this variant. This variant has not been reported in individuals affected with OTC-related disorders in the literature. This variant has been identified in 2/183225 chromosomes in the general population by the Genome Aggregation Database (gnomAD). The available evidence is insufficient to determine the role of this variant in disease conclusively. Therefore, this variant is classified as a Variant of Uncertain Significance.

This study involves interpretation of variants in research participants for the purpose of population health screening. Participant phenotype was not available at the time of variant classification. Additional details can be found in publication PMID: 35346344, PMCID: PMC8962531

NM_000531.6(OTC):c.736C>G (p.Leu246Val)

Gene: OTC (ornithine transcarbamylase; plus strand). Cytogenetic location: Xp11.4.
Variant type: single nucleotide variant.
Coding change: c.736C>G on transcript NM_000531.6 (MANE Select); coding-DNA position 736, C replaced by G.
Protein change: p.Leu246Val; replaces leucine 246 with valine.
Molecular consequence: missense variant.
Genome position (GRCh38, 1-based): chrX:38,408,894, C>G. VCF-style: chrX-38408894-C-G. GRCh37 (hg19) VCF-style: chrX-38268147-C-G.
Other names: c.736C>G (NM_000531.5); short protein forms L246V.
Identifiers: ClinVar variation 1626855 (VCV001626855.12), dbSNP rs1168053730, ClinGen allele CA412722357.